The following is an entry in ClinVar:

NM_001383.6(DPH1):c.82G>C (p.Val28Leu)

Gene: DPH1 (diphthamide biosynthesis 1; plus strand). Cytogenetic location: 17p13.3.
Variant type: single nucleotide variant.
Coding change: c.82G>C on transcript NM_001383.6 (MANE Select); coding-DNA position 82, G replaced by C.
Protein change: p.Val28Leu; replaces valine 28 with leucine.
Molecular consequence: missense variant. On other transcripts: 5 prime UTR variant (1), non-coding transcript variant (3).
Genome position (GRCh38, 1-based): chr17:2,033,525, G>C. VCF-style: chr17-2033525-G-C. GRCh37 (hg19) VCF-style: chr17-1936819-G-C.
Other names: c.97G>C, p.Val33Leu (NM_001346574.1, NM_001346575.1); c.-202G>C (NM_001346576.2); short protein forms V28L, V33L.
Identifiers: ClinVar variation 4880906 (VCV004880906.2).

ClinVar aggregate classification (germline): Uncertain significance (1 of 4 stars; one submission).

Conditions:
Developmental delay with short stature, dysmorphic facial features, and sparse hair 1. Also called: LOUCKS-INNES SYNDROME. Identifiers: MedGen CN323360, MONDO:0800438, OMIM 616901.

Submission:

Dasa
Classification: Uncertain significance for Developmental delay with short stature, dysmorphic facial features, and sparse hair 1. Last evaluated: 2025-05-15. Review status: criteria provided, single submitter. Criteria: DASA Assertion Criteria. Collection method: clinical testing. Allele origin: germline.
Comment: NM_001383.6(DPH1):c.82G>C (p.Val28Leu) is a missense variant that results in the substitution of valine with leucine. This variant is absent from population databases. Computational prediction algorithms are consistent with a benign effect. The currently available literature and clinical evidence are not sufficient to establish a definitive association between this variant and the reported condition. Therefore, this variant is classified as a variant of uncertain significance.